The following is an entry in ClinVar:

ClinVar aggregate classification (germline): Benign/Likely benign. Review status: criteria provided, multiple submitters, no conflicts (2 of 4 stars). 7 submissions from 7 submitters: Benign (3); Likely benign (4). Last evaluated 2026-01-18.

Conditions:
Microcephaly 5, primary, autosomal recessive (MCPH5). Also called: ASPM Primary Microcephaly. Identifiers: Orphanet 2512, MedGen C1837501, MONDO:0012106, OMIM 608716.

Allele frequency attached by ClinVar (database versions not stated): ExAC 0.00202; 1000 Genomes Project 30x 0.00562; 1000 Genomes Project 0.00579; ESP Exome Variant Server 0.00631; gnomAD 0.00666 and 0.00719; TOPMed 0.00748.
gnomAD v4.1: 1,987 of 1,612,906 alleles (0.12%); highest among the groups gnomAD compares: African/African-American, 2.3%; 23 homozygotes.

Submissions (7):

Labcorp Genetics (formerly Invitae), Labcorp
Classification: Benign. Last evaluated: 2026-01-18. Review status: criteria provided, single submitter. Criteria: Invitae Variant Classification Sherloc (09022015). Collection method: clinical testing. Allele origin: germline.

Genome-Nilou Lab
Classification: Likely benign for Microcephaly 5, primary, autosomal recessive. Last evaluated: 2023-04-11. Review status: criteria provided, single submitter. Criteria: ACMG Guidelines, 2015. Collection method: clinical testing. Allele origin: germline. Affected: no.

Athena Diagnostics
Classification: Likely benign. Last evaluated: 2018-11-21. Review status: criteria provided, single submitter. Criteria: Athena Diagnostics Criteria. Collection method: clinical testing. Allele origin: germline.

Illumina Laboratory Services, Illumina
Classification: Likely benign for Microcephaly 5, primary, autosomal recessive. Last evaluated: 2018-01-13. Review status: criteria provided, single submitter. Criteria: ICSL Variant Classification Criteria 13 December 2019. Collection method: clinical testing. Allele origin: germline.
Comment: This variant was observed in the ICSL laboratory as part of a predisposition screen in an ostensibly healthy population. It had not been previously curated by ICSL or reported in the Human Gene Mutation Database (HGMD: prior to June 1st, 2018), and was therefore a candidate for classification through an automated scoring system. Utilizing variant allele frequency, disease prevalence and penetrance estimates, and inheritance mode, an automated score was calculated to assess if this variant is too frequent to cause the disease. Based on the score and internal cut-off values, a variant classified as likely benign is not then subjected to further curation. The score for this variant resulted in a classification of likely benign for this disease.

Genetic Services Laboratory, University of Chicago
Classification: Benign. Last evaluated: 2016-07-18. Review status: criteria provided, single submitter. Criteria: ACMG Guidelines, 2015. Collection method: clinical testing. Allele origin: germline. Affected: no.

GeneDx
Classification: Benign. Last evaluated: 2015-04-18. Review status: criteria provided, single submitter. Criteria: GeneDx Variant Classification (06012015). Collection method: clinical testing. Allele origin: germline. Affected: yes.
Comment: This variant is considered likely benign or benign based on one or more of the following criteria: it is a conservative change, it occurs at a poorly conserved position in the protein, it is predicted to be benign by multiple in silico algorithms, and/or has population frequency not consistent with disease.

Breakthrough Genomics
Classification: Likely benign. Review status: criteria provided, single submitter. Criteria: ACMG Guidelines, 2015. Collection method: not provided. Allele origin: germline. Inheritance: Autosomal recessive inheritance. Affected: yes.

NM_018136.5(ASPM):c.5629G>A (p.Ala1877Thr)

Gene: ASPM (assembly factor for spindle microtubules; minus strand). Cytogenetic location: 1q31.3.
Variant type: single nucleotide variant.
Coding change: c.5629G>A on transcript NM_018136.5 (MANE Select); coding-DNA position 5629, G replaced by A.
Protein change: p.Ala1877Thr; replaces alanine 1877 with threonine.
Molecular consequence: missense variant. On other transcripts: intron variant (1).
Genome position (GRCh38, 1-based): chr1:197,103,622, C>T on the plus strand (G>A on the coding strand, the complement: ASPM is on the minus strand). VCF-style: chr1-197103622-C-T. GRCh37 (hg19) VCF-style: chr1-197072752-C-T.
Other names: c.4066-7458G>A (NM_001206846.2); short protein forms A1877T.
Identifiers: ClinVar variation 157838 (VCV000157838.20), dbSNP rs112230218, ClinGen allele CA171220.